The following is an entry in ClinVar:

ClinVar aggregate classification (germline): Uncertain significance. Review status: criteria provided, multiple submitters, no conflicts (2 of 4 stars). 2 submissions from 2 submitters: Uncertain significance (2). Last evaluated 2024-09-15.

Allele frequency attached by ClinVar (database versions not stated): ExAC 0.00001.
gnomAD v4.1: 5 of 1,613,552 alleles (0.00031%); highest among the groups gnomAD compares: Non-Finnish European, 0.00042%; no homozygotes.

Submissions (2):

Labcorp Genetics (formerly Invitae), Labcorp
Classification: Uncertain significance. Last evaluated: 2024-09-15. Review status: criteria provided, single submitter. Criteria: Invitae Variant Classification Sherloc (09022015). Collection method: clinical testing. Allele origin: germline.
Comment: This sequence change replaces proline, which is neutral and non-polar, with alanine, which is neutral and non-polar, at codon 560 of the COL11A1 protein (p.Pro560Ala). This variant is present in population databases (rs754241471, gnomAD 0.003%). This variant has not been reported in the literature in individuals affected with COL11A1-related conditions. ClinVar contains an entry for this variant (Variation ID: 2663049). Invitae Evidence Modeling of protein sequence and biophysical properties (such as structural, functional, and spatial information, amino acid conservation, physicochemical variation, residue mobility, and thermodynamic stability) indicates that this missense variant is not expected to disrupt COL11A1 protein function with a negative predictive value of 95%. In summary, the available evidence is currently insufficient to determine the role of this variant in disease. Therefore, it has been classified as a Variant of Uncertain Significance.

GeneDx
Classification: Uncertain significance. Last evaluated: 2023-10-06. Review status: criteria provided, single submitter. Criteria: GeneDx Variant Classification Process June 2021. Collection method: clinical testing. Allele origin: germline. Affected: yes.
Comment: In silico analysis supports that this missense variant has a deleterious effect on protein structure/function; Not observed at significant frequency in large population cohorts (gnomAD); Has not been previously published as pathogenic or benign to our knowledge

NM_001854.4(COL11A1):c.1678C>G (p.Pro560Ala)

Gene: COL11A1 (collagen type XI alpha 1 chain; minus strand). Cytogenetic location: 1p21.1.
Variant type: single nucleotide variant.
Coding change: c.1678C>G on transcript NM_001854.4 (MANE Select); coding-DNA position 1678, C replaced by G.
Protein change: p.Pro560Ala; replaces proline 560 with alanine.
Molecular consequence: missense variant. On other transcripts: non-coding transcript variant (1).
Genome position (GRCh38, 1-based): chr1:103,008,468, G>C on the plus strand (C>G on the coding strand, the complement: COL11A1 is on the minus strand). VCF-style: chr1-103008468-G-C. GRCh37 (hg19) VCF-style: chr1-103474024-G-C.
Other names: c.1330C>G, p.Pro444Ala (NM_001168249.1, NM_080630.4); c.1561C>G, p.Pro521Ala (NM_001190709.2); c.1714C>G, p.Pro572Ala (NM_080629.3); short protein forms P444A, P521A, P560A, P572A.
Identifiers: ClinVar variation 2663049 (VCV002663049.3), dbSNP rs754241471, ClinGen allele CA974887.